The following is an entry in ClinVar:

NM_015474.4(SAMHD1):c.1322_1325del (p.Ala441fs)

Gene: SAMHD1 (SAM and HD domain containing deoxynucleoside triphosphate triphosphohydrolase 1; minus strand). Cytogenetic location: 20q11.23.
Variant type: Deletion.
Coding change: c.1322_1325del on transcript NM_015474.4 (MANE Select); coding-DNA positions 1322 to 1325, 4 bases deleted (CACG; older notation c.1322_1325delCACG).
Protein change: p.Ala441fs; shifts the reading frame from alanine 441.
Molecular consequence: frameshift variant.
Genome position (GRCh38, 1-based): chr20:36,905,449-36,905,452, CGTG deleted on the plus strand (CACG on the coding strand, the reverse complement: SAMHD1 is on the minus strand); deleting any 4 consecutive bases within chr20:36,905,449-36,905,455 gives the same sequence; the c. name uses the placement nearest the transcript's 3' end. VCF-style (leftmost placement, unchanged base first): chr20-36905448-TCGTG-T. GRCh37 (hg19) VCF-style: chr20-35533851-TCGTG-T.
Other names: c.1322_1325del, p.Ala441fs (NM_001363729.2, NM_001363733.2); c.1322_1325delCACG (NM_015474.3); short protein forms A441fs.
Identifiers: ClinVar variation 2501215 (VCV002501215.1), dbSNP rs2515229076, ClinGen allele CA2580615016.

ClinVar aggregate classification (germline): Likely pathogenic (1 of 4 stars; one submission).

Conditions:
Aicardi Goutieres syndrome (AGS). Also called: Encephalopathy, familial infantile, with calcification of basal ganglia and chronic cerebrospinal fluid lymphocytosis. Identifiers: Orphanet 51, MedGen C0393591, MONDO:0018866.

Submission:

Women's Health and Genetics/Laboratory Corporation of America, LabCorp
Classification: Likely pathogenic for Aicardi Goutieres syndrome. Last evaluated: 2023-03-09. Review status: criteria provided, single submitter. Criteria: LabCorp Variant Classification Summary - May 2015. Collection method: clinical testing. Allele origin: germline.
Comment: Variant summary: SAMHD1 c.1322_1325delCACG (p.Ala441GlufsX4) results in a premature termination codon, predicted to cause a truncation of the encoded protein or absence of the protein due to nonsense mediated decay, which are commonly known mechanisms for disease. Truncations downstream of this position have been classified as pathogenic in ClinVar and have been reported in association with Aicardi-Goutires syndrome in HGMD. The variant was absent in 251406 control chromosomes. To our knowledge, no occurrence of c.1322_1325delCACG in individuals affected with Aicardi Goutieres Syndrome and no experimental evidence demonstrating its impact on protein function have been reported. No clinical diagnostic laboratories have submitted clinical-significance assessments for this variant to ClinVar after 2014. Based on the evidence outlined above, the variant was classified as likely pathogenic.